The following is an entry in ClinVar:

ClinVar aggregate classification (germline): Uncertain significance. Review status: criteria provided, multiple submitters, no conflicts (2 of 4 stars). 2 submissions from 2 submitters: Uncertain significance (2). Last evaluated 2024-10-30.

Allele frequency attached by ClinVar (database versions not stated): ExAC 0.00004; gnomAD exomes 0.00004 and 0.00005; TOPMed 0.00005; gnomAD 0.00009; 1000 Genomes Project 0.00020; 1000 Genomes Project 30x 0.00031.

Submissions (2):

GeneDx
Classification: Uncertain significance. Last evaluated: 2024-10-30. Review status: criteria provided, single submitter. Criteria: GeneDx Variant Classification Process June 2021. Collection method: clinical testing. Allele origin: germline. Affected: yes.
Comment: In silico analysis indicates that this missense variant does not alter protein structure/function; Has not been previously published as pathogenic or benign to our knowledge

Labcorp Genetics (formerly Invitae), Labcorp
Classification: Uncertain significance. Last evaluated: 2022-09-22. Review status: criteria provided, single submitter. Criteria: Invitae Variant Classification Sherloc (09022015). Collection method: clinical testing. Allele origin: germline.
Comment: This sequence change replaces glutamine, which is neutral and polar, with arginine, which is basic and polar, at codon 1699 of the CPLANE1 protein (p.Gln1699Arg). This variant is present in population databases (rs571578015, gnomAD 0.02%). This variant has not been reported in the literature in individuals affected with CPLANE1-related conditions. ClinVar contains an entry for this variant (Variation ID: 999824). Advanced modeling of protein sequence and biophysical properties (such as structural, functional, and spatial information, amino acid conservation, physicochemical variation, residue mobility, and thermodynamic stability) performed at Invitae indicates that this missense variant is not expected to disrupt CPLANE1 protein function. In summary, the available evidence is currently insufficient to determine the role of this variant in disease. Therefore, it has been classified as a Variant of Uncertain Significance.

NM_001384732.1(CPLANE1):c.5096A>G (p.Gln1699Arg)

Gene: CPLANE1 (ciliogenesis and planar polarity effector complex subunit 1; minus strand). Cytogenetic location: 5p13.2.
Variant type: single nucleotide variant.
Coding change: c.5096A>G on transcript NM_001384732.1 (MANE Select); coding-DNA position 5096, A replaced by G.
Protein change: p.Gln1699Arg; replaces glutamine 1699 with arginine.
Molecular consequence: missense variant.
Genome position (GRCh38, 1-based): chr5:37,183,085, T>C on the plus strand (A>G on the coding strand, the complement: CPLANE1 is on the minus strand). VCF-style: chr5-37183085-T-C. GRCh37 (hg19) VCF-style: chr5-37183187-T-C.
Other names: c.5096A>G, p.Gln1699Arg (NM_023073.4); c.5096A>G (NM_023073.3); short protein forms Q1699R.
Identifiers: ClinVar variation 999824 (VCV000999824.7), dbSNP rs571578015, ClinGen allele CA3238601.